The following is an entry in ClinVar:

ClinVar aggregate classification (germline): Benign (1 of 4 stars; one submission).

Allele frequency attached by ClinVar (database versions not stated): gnomAD 0.00001; gnomAD exomes 0.00001 and 0.00003; TOPMed 0.00004; ExAC 0.00005.
gnomAD v4.1: 7 of 1,203,932 alleles (0.00058%); highest among the groups gnomAD compares: East Asian, 0.021%; no homozygotes.

Submission:

GeneDx
Classification: Benign. Last evaluated: 2011-07-13. Review status: criteria provided, single submitter. Criteria: GeneDx Variant Classification (06012015). Collection method: clinical testing. Allele origin: germline. Affected: yes.
Comment: This variant is considered likely benign or benign based on one or more of the following criteria: it is a conservative change, it occurs at a poorly conserved position in the protein, it is predicted to be benign by multiple in silico algorithms, and/or has population frequency not consistent with disease.

NM_002294.3(LAMP2):c.-27C>T

Gene: LAMP2 (lysosomal associated membrane protein 2; minus strand). Cytogenetic location: Xq24.
Variant type: single nucleotide variant.
Coding change: c.-27C>T on transcript NM_002294.3 (MANE Select); 27 bases upstream of the start codon, C replaced by T.
Molecular consequence: 5 prime UTR variant.
Genome position (GRCh38, 1-based): chrX:120,469,196, G>A on the plus strand (C>T on the coding strand, the complement: LAMP2 is on the minus strand). VCF-style: chrX-120469196-G-A. GRCh37 (hg19) VCF-style: chrX-119603051-G-A.
Other names: c.-27C>T (NM_001122606.1, NM_013995.2).
Identifiers: ClinVar variation 138073 (VCV000138073.1), dbSNP rs587781015, ClinGen allele CA333111.